The following is an entry in ClinVar:

ClinVar aggregate classification (germline): Likely benign. Review status: criteria provided, multiple submitters, no conflicts (2 of 4 stars). 4 submissions from 4 submitters: Likely benign (4). Last evaluated 2025-10-22.

Conditions:
Hereditary cancer-predisposing syndrome. Also called: Neoplastic Syndromes, Hereditary; Hereditary neoplastic syndrome; Tumor predisposition; Hereditary Cancer Syndrome. Identifiers: Orphanet 140162, MedGen C0027672, MeSH D009386, MONDO:0015356.
Neurofibromatosis, type 2 (SWNV). Also called: NF2-Related Schwannomatosis; SCHWANNOMATOSIS, VESTIBULAR; BILATERAL ACOUSTIC NEUROFIBROMATOSIS. Identifiers: Orphanet 637, MedGen C0027832, MONDO:0007039, OMIM 101000. Disease mechanism: loss of function.

Allele frequency attached by ClinVar (database versions not stated): gnomAD exomes 0.00001; ExAC 0.00002.
gnomAD v4.1: 10 of 1,614,238 alleles (0.00062%); highest among the groups gnomAD compares: Non-Finnish European, 0.00085%; no homozygotes.

Submissions (4):

Labcorp Genetics (formerly Invitae), Labcorp
Classification: Likely benign for Neurofibromatosis, type 2. Last evaluated: 2025-10-22. Review status: criteria provided, single submitter. Criteria: Invitae Variant Classification Sherloc (09022015). Collection method: clinical testing. Allele origin: germline.

Ambry Genetics
Classification: Likely benign for Hereditary cancer-predisposing syndrome. Last evaluated: 2024-08-12. Review status: criteria provided, single submitter. Criteria: Ambry Variant Classification Scheme 2023. Collection method: clinical testing. Allele origin: germline.

All of Us Research Program, National Institutes of Health
Classification: Likely benign for Neurofibromatosis, type 2. Last evaluated: 2023-08-15. Review status: criteria provided, single submitter. Criteria: ACMG Guidelines, 2015. Collection method: clinical testing. Allele origin: germline. Inheritance: Autosomal dominant inheritance. Observed: 1 variant allele, 1 heterozygote.
Comment: This study involves interpretation of variants in research participants for the purpose of population health screening. Participant phenotype was not available at the time of variant classification. Additional details can be found in publication PMID: 35346344, PMCID: PMC8962531

Blueprint Genetics
Classification: Likely benign. Last evaluated: 2022-08-16. Review status: criteria provided, single submitter. Criteria: ACMG Guidelines, 2015. Collection method: clinical testing. Allele origin: germline.

NM_000268.4(NF2):c.762C>A (p.Ile254=)

Gene: NF2 (NF2, moesin-ezrin-radixin like (MERLIN) tumor suppressor; plus strand). Cytogenetic location: 22q12.2.
Variant type: single nucleotide variant.
Coding change: c.762C>A on transcript NM_000268.4 (MANE Select); coding-DNA position 762, C replaced by A.
Protein change: p.Ile254=; no amino-acid change (isoleucine 254 retained).
Molecular consequence: synonymous variant. On other transcripts: non-coding transcript variant (1), intron variant (1).
Genome position (GRCh38, 1-based): chr22:29,661,291, C>A. VCF-style: chr22-29661291-C-A. GRCh37 (hg19) VCF-style: chr22-30057280-C-A.
Other names: c.762C>A, p.Ile254= (NM_016418.5, NM_181825.3, NM_181832.3); c.636C>A, p.Ile212= (NM_181828.3); c.639C>A, p.Ile213= (NM_181829.3); c.513C>A, p.Ile171= (NM_181830.3, NM_181831.3); c.447+19006C>A (NM_181833.3); c.762C>A (NM_000268.3).
Identifiers: ClinVar variation 1619018 (VCV001619018.11), dbSNP rs765985886, ClinGen allele CA035037.
Genomic context (GRCh38, chr22:29,661,291, plus strand): 5'-TGGAGTGGATGCCCTGGGGCTTCACATTTATGACCCTGAGAACAGACTGACCCCCAAGAT[C>A]TCCTTCCCGTGGAATGAAATCCGAAACATCTCGTACAGTGACAAGGAGGTAGGACATGTG-3'
Protein context (NP_000259.1, residues 244-264): YDPENRLTPK[Ile254=]SFPWNEIRNI